The following is an entry in ClinVar:

ClinVar aggregate classification (germline): Uncertain significance (1 of 4 stars; one submission).

gnomAD v4.1: 3 of 1,574,262 alleles (0.00019%); highest among the groups gnomAD compares: East Asian, 0.0045%; no homozygotes.

Submission:

Labcorp Genetics (formerly Invitae), Labcorp
Classification: Uncertain significance. Last evaluated: 2024-06-08. Review status: criteria provided, single submitter. Criteria: Invitae Variant Classification Sherloc (09022015). Collection method: clinical testing. Allele origin: germline.
Comment: This sequence change replaces serine, which is neutral and polar, with asparagine, which is neutral and polar, at codon 658 of the ALPK3 protein (p.Ser658Asn). This variant is present in population databases (no rsID available, gnomAD 0.006%). This variant has not been reported in the literature in individuals affected with ALPK3-related conditions. An algorithm developed to predict the effect of missense changes on protein structure and function (PolyPhen-2) suggests that this variant is likely to be tolerated. In summary, the available evidence is currently insufficient to determine the role of this variant in disease. Therefore, it has been classified as a Variant of Uncertain Significance.

NM_020778.5(ALPK3):c.1367G>A (p.Ser456Asn)

Gene: ALPK3 (alpha kinase 3; plus strand). Cytogenetic location: 15q25.3.
Variant type: single nucleotide variant.
Coding change: c.1367G>A on transcript NM_020778.5 (MANE Select); coding-DNA position 1367, G replaced by A.
Protein change: p.Ser456Asn; replaces serine 456 with asparagine.
Molecular consequence: missense variant.
Genome position (GRCh38, 1-based): chr15:84,840,646, G>A. VCF-style: chr15-84840646-G-A. GRCh37 (hg19) VCF-style: chr15-85383877-G-A.
Other names: short protein forms S456N.
Identifiers: ClinVar variation 3692984 (VCV003692984.2).
Genomic context (GRCh38, chr15:84,840,646, plus strand): 5'-CCCTGAGTGTCCGGGCGCCTGGGGAGAGTCCCAAGGGGAAGGCACCCCTCAGGGCTAGAA[G>A]CGAGGGGGTGCCTGGCGCTCCTGGCCAGCCCACACACTCCTTGACCCCCCAGCCGACTAG-3'
Protein context (NP_065829.4, residues 446-466): PKGKAPLRAR[Ser456Asn]EGVPGAPGQP